The following is an entry in ClinVar:

NM_000059.4(BRCA2):c.3630T>G (p.Asp1210Glu)

Gene: BRCA2 (BRCA2 DNA repair associated; plus strand). Cytogenetic location: 13q13.1.
Variant type: single nucleotide variant.
Coding change: c.3630T>G on transcript NM_000059.4 (MANE Select); coding-DNA position 3630, T replaced by G.
Protein change: p.Asp1210Glu; replaces aspartic acid 1210 with glutamic acid.
Molecular consequence: missense variant.
Genome position (GRCh38, 1-based): chr13:32,337,985, T>G. VCF-style: chr13-32337985-T-G. GRCh37 (hg19) VCF-style: chr13-32912122-T-G.
Other names: short protein forms D1210E.
Identifiers: ClinVar variation 409484 (VCV000409484.24), dbSNP rs786202991, ClinGen allele CA16613952.

ClinVar aggregate classification (germline): Conflicting classifications of pathogenicity. Review status: criteria provided, conflicting classifications (1 of 4 stars). 6 submissions from 6 submitters: Uncertain significance (4); Likely benign (2). Last evaluated 2025-05-26.

Conditions:
Hereditary breast ovarian cancer syndrome. Also called: Hereditary breast and ovarian cancer; Hereditary breast and/or ovarian cancer syndrome; BRCA1- and BRCA2-Associated Hereditary Breast and Ovarian Cancer; Hereditary breast and ovarian cancer syndrome; Hereditary breast and ovarian cancer syndrome (HBOC); Breast and ovarian cancer. Identifiers: Orphanet 145, MedGen C0677776, MeSH D061325, MONDO:0003582. Disease mechanism: loss of function.
Hereditary cancer-predisposing syndrome. Also called: Tumor predisposition; Hereditary Cancer Syndrome; Hereditary neoplastic syndrome; Neoplastic Syndromes, Hereditary. Identifiers: Orphanet 140162, MedGen C0027672, MeSH D009386, MONDO:0015356.

Submissions (6):

Labcorp Genetics (formerly Invitae), Labcorp
Classification: Uncertain significance for Hereditary breast ovarian cancer syndrome. Last evaluated: 2025-05-26. Review status: criteria provided, single submitter. Criteria: Invitae Variant Classification Sherloc (09022015). Collection method: clinical testing. Allele origin: germline.
Comment: This sequence change replaces aspartic acid, which is acidic and polar, with glutamic acid, which is acidic and polar, at codon 1210 of the BRCA2 protein (p.Asp1210Glu). This variant is not present in population databases (gnomAD no frequency). This variant has not been reported in the literature in individuals affected with BRCA2-related conditions. ClinVar contains an entry for this variant (Variation ID: 409484). Invitae Evidence Modeling of protein sequence and biophysical properties (such as structural, functional, and spatial information, amino acid conservation, physicochemical variation, residue mobility, and thermodynamic stability) indicates that this missense variant is not expected to disrupt BRCA2 protein function with a negative predictive value of 95%. In summary, the available evidence is currently insufficient to determine the role of this variant in disease. Therefore, it has been classified as a Variant of Uncertain Significance.

Ambry Genetics
Classification: Likely benign for Hereditary cancer-predisposing syndrome. Last evaluated: 2025-02-10. Review status: criteria provided, single submitter. Criteria: Ambry Variant Classification Scheme 2023. Collection method: clinical testing. Allele origin: germline.

Quest Diagnostics Nichols Institute San Juan Capistrano
Classification: Uncertain significance. Last evaluated: 2024-09-11. Review status: criteria provided, single submitter. Criteria: Quest Diagnostics criteria. Collection method: clinical testing. Allele origin: unknown.

University of Washington Department of Laboratory Medicine, University of Washington
Classification: Likely benign for Hereditary cancer-predisposing syndrome. Last evaluated: 2023-03-23. Review status: criteria provided, single submitter. Criteria: Dines et al. (Genet Med. 2020). Collection method: curation. Allele origin: germline.
Comment: Missense variant in a coldspot region where missense variants are very unlikely to be pathogenic (PMID:31911673).

BRCA2 exon 11 coldspot. Reclassification based on statistical prior probability.

Women's Health and Genetics/Laboratory Corporation of America, LabCorp
Classification: Uncertain significance. Last evaluated: 2022-12-15. Review status: criteria provided, single submitter. Criteria: LabCorp Variant Classification Summary - May 2015. Collection method: clinical testing. Allele origin: germline.

Color Diagnostics, LLC DBA Color Health
Classification: Uncertain significance for Hereditary cancer-predisposing syndrome. Last evaluated: 2022-04-06. Review status: criteria provided, single submitter. Criteria: ACMG Guidelines, 2015. Collection method: clinical testing. Allele origin: germline.
Comment: This missense variant replaces aspartic acid with glutamic acid at codon 1210 of the BRCA2 protein. Computational prediction suggests that this variant may not impact protein structure and function (internally defined REVEL score threshold <= 0.5, PMID: 27666373). To our knowledge, functional studies have not been reported for this variant. This variant has not been reported in individuals affected with hereditary cancer in the literature. This variant has not been identified in the general population by the Genome Aggregation Database (gnomAD). The available evidence is insufficient to determine the role of this variant in disease conclusively. Therefore, this variant is classified as a Variant of Uncertain Significance.

Literature cited by the submitters: PubMed 31911673 (cited by Quest Diagnostics Nichols Institute San Juan Capistrano).